The following is an entry in ClinVar:

ClinVar aggregate classification (germline): Uncertain significance. Review status: criteria provided, multiple submitters, no conflicts (2 of 4 stars). 2 submissions from 2 submitters: Uncertain significance (2). Last evaluated 2025-03-22.

Conditions:
Inborn genetic diseases. Identifiers: MedGen C0950123, MeSH D030342.

Submissions (2):

Ambry Genetics
Classification: Uncertain significance for Inborn genetic diseases. Last evaluated: 2025-03-22. Review status: criteria provided, single submitter. Criteria: Ambry Variant Classification Scheme 2023. Collection method: clinical testing. Allele origin: germline.

Labcorp Genetics (formerly Invitae), Labcorp
Classification: Uncertain significance. Last evaluated: 2022-11-22. Review status: criteria provided, single submitter. Criteria: Invitae Variant Classification Sherloc (09022015). Collection method: clinical testing. Allele origin: germline.
Comment: In summary, the available evidence is currently insufficient to determine the role of this variant in disease. Therefore, it has been classified as a Variant of Uncertain Significance. Algorithms developed to predict the effect of missense changes on protein structure and function (SIFT, PolyPhen-2, Align-GVGD) all suggest that this variant is likely to be tolerated. ClinVar contains an entry for this variant (Variation ID: 1348196). This variant has not been reported in the literature in individuals affected with TUBGCP6-related conditions. This variant is not present in population databases (gnomAD no frequency). This sequence change replaces glycine, which is neutral and non-polar, with glutamic acid, which is acidic and polar, at codon 897 of the TUBGCP6 protein (p.Gly897Glu).

NM_020461.4(TUBGCP6):c.2690G>A (p.Gly897Glu)

Gene: TUBGCP6 (tubulin gamma complex component 6; minus strand). Cytogenetic location: 22q13.33.
Variant type: single nucleotide variant.
Coding change: c.2690G>A on transcript NM_020461.4 (MANE Select); coding-DNA position 2690, G replaced by A.
Protein change: p.Gly897Glu; replaces glycine 897 with glutamic acid.
Molecular consequence: missense variant.
Genome position (GRCh38, 1-based): chr22:50,221,669, C>T on the plus strand (G>A on the coding strand, the complement: TUBGCP6 is on the minus strand). VCF-style: chr22-50221669-C-T. GRCh37 (hg19) VCF-style: chr22-50660098-C-T.
Other names: c.2690G>A (NM_020461.3); short protein forms G897E.
Identifiers: ClinVar variation 1348196 (VCV001348196.9), dbSNP rs2147180479, ClinGen allele CA412096648.